The following is an entry in ClinVar:

ClinVar aggregate classification (germline): Uncertain significance (1 of 4 stars; one submission).

Conditions:
Multiple endocrine neoplasia, type 1 (MEN1). Also called: MEN I; WERMER SYNDROME; Endocrine adenomatosis multiple; MEN 1; MEA I. Identifiers: Orphanet 652, MedGen C0025267, MeSH D018761, MONDO:0007540, OMIM 131100.

Submission:

Labcorp Genetics (formerly Invitae), Labcorp
Classification: Uncertain significance for Multiple endocrine neoplasia, type 1. Last evaluated: 2024-09-12. Review status: criteria provided, single submitter. Criteria: Invitae Variant Classification Sherloc (09022015). Collection method: clinical testing. Allele origin: germline.
Comment: This sequence change replaces leucine, which is neutral and non-polar, with arginine, which is basic and polar, at codon 36 of the MEN1 protein (p.Leu36Arg). This variant is not present in population databases (gnomAD no frequency). This variant has not been reported in the literature in individuals affected with MEN1-related conditions. Invitae Evidence Modeling of protein sequence and biophysical properties (such as structural, functional, and spatial information, amino acid conservation, physicochemical variation, residue mobility, and thermodynamic stability) indicates that this missense variant is expected to disrupt MEN1 protein function with a positive predictive value of 95%. In summary, the available evidence is currently insufficient to determine the role of this variant in disease. Therefore, it has been classified as a Variant of Uncertain Significance.

NM_001370259.2(MEN1):c.107T>G (p.Leu36Arg)

Gene: MEN1 (menin 1; minus strand). Cytogenetic location: 11q13.1.
Variant type: single nucleotide variant.
Coding change: c.107T>G on transcript NM_001370259.2 (MANE Select); coding-DNA position 107, T replaced by G.
Protein change: p.Leu36Arg; replaces leucine 36 with arginine.
Molecular consequence: missense variant. On other transcripts: non-coding transcript variant (4).
Genome position (GRCh38, 1-based): chr11:64,810,003, A>C on the plus strand (T>G on the coding strand, the complement: MEN1 is on the minus strand). VCF-style: chr11-64810003-A-C. GRCh37 (hg19) VCF-style: chr11-64577475-A-C.
Other names: c.107T>G, p.Leu36Arg (NM_000244.4, NM_001370251.2, NM_130802.3 and 20 more transcripts); short protein forms L36R.
Identifiers: ClinVar variation 3634216 (VCV003634216.2).